The following is an entry in ClinVar:

NM_001361.5(DHODH):c.*868A>G

Gene: DHODH (dihydroorotate dehydrogenase (quinone); plus strand). Cytogenetic location: 16q22.2.
Variant type: single nucleotide variant.
Coding change: c.*868A>G on transcript NM_001361.5 (MANE Select); 868 bases downstream of the stop codon, A replaced by G.
Molecular consequence: 3 prime UTR variant.
Genome position (GRCh38, 1-based): chr16:72,025,067, A>G. VCF-style: chr16-72025067-A-G. GRCh37 (hg19) VCF-style: chr16-72058966-A-G.
Identifiers: ClinVar variation 884595 (VCV000884595.4), dbSNP rs149599098, ClinGen allele CA283645769.

ClinVar aggregate classification (germline): Likely benign (1 of 4 stars; one submission).

Conditions:
Miller syndrome (POADS). Also called: Genee-Wiedemann acrofacial dysostosis; GENEE-WIEDEMANN SYNDROME. Identifiers: Orphanet 246, MedGen C0265257, MONDO:0009903, OMIM 263750.

Allele frequency attached by ClinVar (database versions not stated): 1000 Genomes Project 0.00399; 1000 Genomes Project 30x 0.00406; gnomAD 0.00547 and 0.00570; TOPMed 0.00549.

Submission:

Illumina Laboratory Services, Illumina
Classification: Likely benign for Miller syndrome. Last evaluated: 2018-01-13. Review status: criteria provided, single submitter. Criteria: ICSL Variant Classification Criteria 13 December 2019. Collection method: clinical testing. Allele origin: germline.
Comment: This variant was observed in the ICSL laboratory as part of a predisposition screen in an ostensibly healthy population. It had not been previously curated by ICSL or reported in the Human Gene Mutation Database (HGMD: prior to June 1st, 2018), and was therefore a candidate for classification through an automated scoring system. Utilizing variant allele frequency, disease prevalence and penetrance estimates, and inheritance mode, an automated score was calculated to assess if this variant is too frequent to cause the disease. Based on the score and internal cut-off values, a variant classified as likely benign is not then subjected to further curation. The score for this variant resulted in a classification of likely benign for this disease.